The following is an entry in ClinVar:

ClinVar aggregate classification (germline): Conflicting classifications of pathogenicity. Review status: criteria provided, conflicting classifications (1 of 4 stars). 3 submissions from 3 submitters: Uncertain significance (1); Likely benign (1). 1 of the submissions does not count toward it. Last evaluated 2024-04-23.

Conditions:
KDM3B-related disorder. Also called: KDM3B-related condition.
Inborn genetic diseases. Identifiers: MedGen C0950123, MeSH D030342.

Allele frequency attached by ClinVar (database versions not stated): ExAC 0.00002; TOPMed 0.00003; gnomAD 0.00005; ESP Exome Variant Server 0.00008; 1000 Genomes Project 0.00040; 1000 Genomes Project 30x 0.00047.

Submissions (3):

Ambry Genetics
Classification: Uncertain significance for Inborn genetic diseases. Last evaluated: 2024-04-23. Review status: criteria provided, single submitter. Criteria: Ambry Variant Classification Scheme 2023. Collection method: clinical testing. Allele origin: germline.

CeGaT Center for Human Genetics Tuebingen
Classification: Likely benign. Last evaluated: 2023-02-01. Review status: criteria provided, single submitter. Criteria: CeGaT Center For Human Genetics Tuebingen Variant Classification Criteria Version 2. Collection method: clinical testing. Allele origin: germline. Affected: yes. Observed: 1 variant allele.
Comment: KDM3B: BP4

PreventionGenetics, part of Exact Sciences
Classification: Uncertain significance for KDM3B-related condition. Last evaluated: 2024-02-13. Review status: no assertion criteria provided. Collection method: clinical testing. Allele origin: germline. Not counted in ClinVar's aggregate classification.
Comment: The KDM3B c.1720G>A variant is predicted to result in the amino acid substitution p.Val574Ile. To our knowledge, this variant has not been reported in the literature. This variant is reported in 0.027% of alleles in individuals of East Asian descent in gnomAD. At this time, the clinical significance of this variant is uncertain due to the absence of conclusive functional and genetic evidence.

NM_016604.4(KDM3B):c.1720G>A (p.Val574Ile)

Gene: KDM3B (lysine demethylase 3B; plus strand). Cytogenetic location: 5q31.2.
Variant type: single nucleotide variant.
Coding change: c.1720G>A on transcript NM_016604.4 (MANE Select); coding-DNA position 1720, G replaced by A.
Protein change: p.Val574Ile; replaces valine 574 with isoleucine.
Molecular consequence: missense variant.
Genome position (GRCh38, 1-based): chr5:138,391,352, G>A. VCF-style: chr5-138391352-G-A. GRCh37 (hg19) VCF-style: chr5-137727041-G-A.
Other names: c.1720G>A (NM_016604.3); short protein forms V574I.
Identifiers: ClinVar variation 2655717 (VCV002655717.26), dbSNP rs138862008, ClinGen allele CA3428948.